The following is an entry in ClinVar:

ClinVar aggregate classification (germline): Benign (0 of 4 stars; one submission).

Conditions:
CERT1-related disorder. Also called: CERT1-related condition.

Allele frequency attached by ClinVar (database versions not stated): ExAC 0.29534; gnomAD 0.32862; TOPMed 0.33218; ESP Exome Variant Server 0.33584; 1000 Genomes Project 30x 0.38507; 1000 Genomes Project 0.38838.
gnomAD v4.1: 425,878 of 1,608,504 alleles (26%); highest among the groups gnomAD compares: African/African-American, 53%; 61,692 homozygotes.

Submission:

PreventionGenetics, part of Exact Sciences
Classification: Benign for CERT1-related condition. Last evaluated: 2019-10-21. Review status: no assertion criteria provided. Collection method: clinical testing. Allele origin: germline.
Comment: This variant is classified as benign based on ACMG/AMP sequence variant interpretation guidelines (Richards et al. 2015 PMID: 25741868, with internal and published modifications).

NM_001379029.1(CERT1):c.1189-8T>C

Gene: CERT1 (ceramide transporter 1; minus strand). Cytogenetic location: 5q13.3.
Variant type: single nucleotide variant.
Coding change: c.1189-8T>C on transcript NM_001379029.1 (MANE Select); 8 bases into the intron before coding-DNA position 1189, T replaced by C.
Molecular consequence: intron variant.
Genome position (GRCh38, 1-based): chr5:75,389,695, A>G on the plus strand (T>C on the coding strand, the complement: CERT1 is on the minus strand). VCF-style: chr5-75389695-A-G. GRCh37 (hg19) VCF-style: chr5-74685520-A-G.
Other names: c.1111-8T>C (NM_001379003.1, NM_031361.3, NM_001379004.1); c.1189-8T>C (NM_001379002.1, NM_005713.3); c.1573-8T>C (NM_001130105.1).
Identifiers: ClinVar variation 3059489 (VCV003059489.2), dbSNP rs3761743, ClinGen allele CA3309076.
Genomic context (GRCh38, chr5:75,389,695, plus strand): 5'-CCGCCTACATCCTGTAATGAGTAAGTCATGTGGTTCTGCACCATCTCTTCAACCTTGAGA[A>G]GGGAGGAAAAAGGCATGAGAATCCAAAAGGTATGTCATAATCTCTAAAACAGAATGGTCT-3'